The following is an entry in ClinVar:

NM_005264.8(GFRA1):c.1392A>G (p.Thr464=)

Gene: GFRA1 (GDNF family receptor alpha 1; minus strand). Cytogenetic location: 10q25.3.
Variant type: single nucleotide variant.
Coding change: c.1392A>G on transcript NM_005264.8 (MANE Select); coding-DNA position 1392, A replaced by G.
Protein change: p.Thr464=; no amino-acid change (threonine 464 retained).
Molecular consequence: synonymous variant. On other transcripts: intron variant (2).
Genome position (GRCh38, 1-based): chr10:116,064,404, T>C on the plus strand (A>G on the coding strand, the complement: GFRA1 is on the minus strand). VCF-style: chr10-116064404-T-C. GRCh37 (hg19) VCF-style: chr10-117823915-T-C.
Other names: c.1377A>G, p.Thr459= (NM_001145453.4, NM_001348096.3, NM_001382556.2 and 4 more transcripts); c.1392A>G, p.Thr464= (NM_001348097.1, NM_001348098.4); c.1029A>G, p.Thr343= (NM_001348099.3); c.1236+1169A>G (NM_001382561.2); c.1338+39A>G (NM_001382560.2).
Identifiers: ClinVar variation 3058306 (VCV003058306.2), dbSNP rs374020279, ClinGen allele CA5705091.

ClinVar aggregate classification (germline): Likely benign (0 of 4 stars; one submission).

Conditions:
GFRA1-related disorder. Also called: GFRA1-related condition.

Allele frequency attached by ClinVar (database versions not stated): gnomAD 0.00003; TOPMed 0.00005; ExAC 0.00007; gnomAD exomes 0.00007; ESP Exome Variant Server 0.00008.
gnomAD v4.1: 112 of 1,612,288 alleles (0.0069%); highest among the groups gnomAD compares: Middle Eastern, 0.14%; 1 homozygote.

Submission:

PreventionGenetics, part of Exact Sciences
Classification: Likely benign for GFRA1-related condition. Last evaluated: 2019-02-19. Review status: no assertion criteria provided. Collection method: clinical testing. Allele origin: germline.
Comment: This variant is classified as likely benign based on ACMG/AMP sequence variant interpretation guidelines (Richards et al. 2015 PMID: 25741868, with internal and published modifications).